The following is an entry in ClinVar:

ClinVar aggregate classification (germline): Likely benign (0 of 4 stars; one submission).

Conditions:
DUSP22-related disorder. Also called: DUSP22-related condition.

Allele frequency attached by ClinVar (database versions not stated): 1000 Genomes Project 0.00879; 1000 Genomes Project 30x 0.00953; gnomAD 0.01655; ESP Exome Variant Server 0.01815; ExAC 0.01948.
gnomAD v4.1: 30,938 of 1,597,692 alleles (1.9%); highest among the groups gnomAD compares: Non-Finnish European, 2.2%; 1 homozygote.

Submission:

PreventionGenetics, part of Exact Sciences
Classification: Likely benign for DUSP22-related condition. Last evaluated: 2019-09-25. Review status: no assertion criteria provided. Collection method: clinical testing. Allele origin: germline.
Comment: This variant is classified as likely benign based on ACMG/AMP sequence variant interpretation guidelines (Richards et al. 2015 PMID: 25741868, with internal and published modifications).

NM_001286555.3(DUSP22):c.285C>T (p.Ser95=)

Gene: DUSP22 (dual specificity phosphatase 22; plus strand). Cytogenetic location: 6p25.3.
Variant type: single nucleotide variant.
Coding change: c.285C>T on transcript NM_001286555.3 (MANE Select); coding-DNA position 285, C replaced by T.
Protein change: p.Ser95=; no amino-acid change (serine 95 retained).
Molecular consequence: synonymous variant. On other transcripts: non-coding transcript variant (3).
Genome position (GRCh38, 1-based): chr6:348,124, C>T. VCF-style: chr6-348124-C-T. GRCh37 (hg19) VCF-style: chr6-348124-C-T.
Other names: c.285C>T, p.Ser95= (NM_020185.6).
Identifiers: ClinVar variation 3037645 (VCV003037645.2), dbSNP rs56362282, ClinGen allele CA3612349.